The following is an entry in ClinVar:

ClinVar aggregate classification (germline): Likely benign. Review status: criteria provided, single submitter (1 of 4 stars). 2 submissions from 2 submitters: Likely benign (1). 1 of the submissions does not count toward it. Last evaluated 2024-11-28.

Conditions:
TASP1-related disorder. Also called: TASP1-related condition.

Allele frequency attached by ClinVar (database versions not stated): gnomAD exomes 0.00152; ExAC 0.00240; gnomAD 0.00502; TOPMed 0.00559; ESP Exome Variant Server 0.00654; 1000 Genomes Project 30x 0.00750; 1000 Genomes Project 0.00759.
gnomAD v4.1: 3,062 of 1,609,404 alleles (0.19%); highest among the groups gnomAD compares: African/African-American, 1.5%; 9 homozygotes.

Submissions (2):

Blueprint Genetics
Classification: Likely benign. Last evaluated: 2024-11-28. Review status: criteria provided, single submitter. Criteria: ACMG Guidelines, 2015. Collection method: clinical testing. Allele origin: germline.

PreventionGenetics, part of Exact Sciences
Classification: Benign for TASP1-related condition. Last evaluated: 2020-01-27. Review status: no assertion criteria provided. Collection method: clinical testing. Allele origin: germline. Not counted in ClinVar's aggregate classification.
Comment: This variant is classified as benign based on ACMG/AMP sequence variant interpretation guidelines (Richards et al. 2015 PMID: 25741868, with internal and published modifications).

NM_017714.3(TASP1):c.795+7A>G

Gene: TASP1 (taspase 1; minus strand). Cytogenetic location: 20p12.1.
Variant type: single nucleotide variant.
Coding change: c.795+7A>G on transcript NM_017714.3 (MANE Select); 7 bases into the intron after coding-DNA position 795, A replaced by G.
Molecular consequence: intron variant.
Genome position (GRCh38, 1-based): chr20:13,534,015, T>C on the plus strand (A>G on the coding strand, the complement: TASP1 is on the minus strand). VCF-style: chr20-13534015-T-C. GRCh37 (hg19) VCF-style: chr20-13514662-T-C.
Other names: c.402+7A>G (NM_001323602.2); c.489+7A>G (NM_001323604.2, NM_001323603.2).
Identifiers: ClinVar variation 3043220 (VCV003043220.3), dbSNP rs77527408, ClinGen allele CA9766608.